The following is an entry in ClinVar:

NM_000180.4(GUCY2D):c.521C>A (p.Ala174Asp)

Gene: GUCY2D (guanylate cyclase 2D, retinal; plus strand). Cytogenetic location: 17p13.1.
Variant type: single nucleotide variant.
Coding change: c.521C>A on transcript NM_000180.4 (MANE Select); coding-DNA position 521, C replaced by A.
Protein change: p.Ala174Asp; replaces alanine 174 with aspartic acid.
Molecular consequence: missense variant.
Genome position (GRCh38, 1-based): chr17:8,003,568, C>A. VCF-style: chr17-8003568-C-A. GRCh37 (hg19) VCF-style: chr17-7906886-C-A.
Other names: short protein forms A174D.
Identifiers: ClinVar variation 2089885 (VCV002089885.4), dbSNP rs2545418113, ClinGen allele CA397943994.

ClinVar aggregate classification (germline): Uncertain significance (1 of 4 stars; one submission).

Conditions:
Cone-rod dystrophy 6 (CORD6). Also called: RETINAL CONE DYSTROPHY 2; Cone dystrophy progressive. Identifiers: Orphanet 1872, MedGen C1866293, MONDO:0011143, OMIM 601777.
Leber congenital amaurosis 1 (LCA1). Also called: RETINAL BLINDNESS, CONGENITAL; AMAUROSIS CONGENITA OF LEBER I; Congenital absence of the rods and cones; Leber's congenital tapetoretinal degeneration; Leber's congenital tapetoretinal dysplasia. Identifiers: Orphanet 65, MedGen C2931258, MONDO:0008764, OMIM 204000.

gnomAD v4.1: 2 of 1,580,462 alleles (0.00013%); highest among the groups gnomAD compares: Non-Finnish European, 0.00017%; no homozygotes.

Submission:

Labcorp Genetics (formerly Invitae), Labcorp
Classification: Uncertain significance for Leber congenital amaurosis 1; Cone-rod dystrophy 6. Last evaluated: 2022-01-26. Review status: criteria provided, single submitter. Criteria: Invitae Variant Classification Sherloc (09022015). Collection method: clinical testing. Allele origin: germline.
Comment: In summary, the available evidence is currently insufficient to determine the role of this variant in disease. Therefore, it has been classified as a Variant of Uncertain Significance. Algorithms developed to predict the effect of missense changes on protein structure and function output the following: SIFT: "Deleterious"; PolyPhen-2: "Benign"; Align-GVGD: "Class C0". The aspartic acid amino acid residue is found in multiple mammalian species, which suggests that this missense change does not adversely affect protein function. This variant has not been reported in the literature in individuals affected with GUCY2D-related conditions. This variant is not present in population databases (gnomAD no frequency). This sequence change replaces alanine, which is neutral and non-polar, with aspartic acid, which is acidic and polar, at codon 174 of the GUCY2D protein (p.Ala174Asp).